The following is an entry in ClinVar:

ClinVar aggregate classification (germline): Likely benign (1 of 4 stars; one submission).

Submission:

CeGaT Center for Human Genetics Tuebingen
Classification: Likely benign. Last evaluated: 2025-08-01. Review status: criteria provided, single submitter. Criteria: CeGaT Center For Human Genetics Tuebingen Variant Classification Criteria Version 2. Collection method: clinical testing. Allele origin: germline. Affected: yes. Observed: 1 variant allele.
Comment: UBTF: PM2:Supporting, BP4, BP7

NM_014233.4(UBTF):c.1887C>T (p.His629=)

Genes: ATXN7L3-AS1 (ATXN7L3 antisense RNA 1; plus strand), UBTF (upstream binding transcription factor; minus strand). Cytogenetic location: 17q21.31.
Variant type: single nucleotide variant.
Coding change: c.1887C>T on transcript NM_014233.4 (MANE Select); coding-DNA position 1887, C replaced by T.
Protein change: p.His629=; no amino-acid change (histidine 629 retained).
Molecular consequence: synonymous variant. On other transcripts: non-coding transcript variant (1).
Genome position (GRCh38, 1-based): chr17:44,209,370, G>A on the plus strand (C>T on the coding strand, the complement: UBTF is on the minus strand). VCF-style: chr17-44209370-G-A. GRCh37 (hg19) VCF-style: chr17-42286738-G-A.
Other names: c.1776C>T, p.His592= (NM_001076683.2, NM_001076684.3).
Identifiers: ClinVar variation 4085575 (VCV004085575.8).